The following is an entry in ClinVar:

ClinVar aggregate classification (germline): Likely benign. Review status: reviewed by expert panel (3 of 4 stars). 4 submissions from 4 submitters: Likely benign (1). 3 of the submissions do not count toward it. Last evaluated 2023-10-13.

Conditions:
Christianson syndrome (MRXSCH). Also called: SLC9A6-Related Syndromic Mental Retardation; X-linked mental retardation, syndromic, Christianson type; INTELLECTUAL DEVELOPMENTAL DISORDER, X-LINKED, SYNDROMIC, CHRISTIANSON TYPE. Identifiers: Orphanet 85278, MedGen C2678194, MONDO:0010278, OMIM 300243.

Allele frequency attached by ClinVar (database versions not stated): gnomAD 0.00001 and 0.00002; TOPMed 0.00001; ExAC 0.00002; gnomAD exomes 0.00002 and 0.00003; 1000 Genomes Project 0.00026; 1000 Genomes Project 30x 0.00042.
gnomAD v4.1: 19 of 1,208,701 alleles (0.0016%); highest among the groups gnomAD compares: African/African-American, 0.0053%; no homozygotes.

Submissions (4):

ClinGen Rett and Angelman-like Disorders Variant Curation Expert Panel
Classification: Likely benign for Christianson syndrome. Last evaluated: 2023-10-13. Review status: reviewed by expert panel. Criteria: ClinGen RettAS ACMG Specifications SLC9A6 V3.0.0. Collection method: curation. Allele origin: germline. Inheritance: X-linked inheritance.
Comment: The allele frequency of the c.1971G>A (p.Pro657=) variant in SLC9A6 (NM_006359.2) is 0.015% in African/African-American sub population in gnomAD, which is high enough to meet the BS1 criteria based on thresholds defined by the ClinGen Rett/Angelman-like Expert Panel for Rett/AS-like conditions (BS1). The silent p.Pro657= variant is not predicted to affect splicing using multiple computational tools and does not affect a highly conserved nucleotide (BP4, BP7). In summary, the p.Pro657= variant in SLC9A6 is classified as Likely Benign based on the ACMG/AMP criteria (BS1, BP4, BP7).

Labcorp Genetics (formerly Invitae), Labcorp
Classification: Benign for Christianson syndrome. Last evaluated: 2024-12-02. Review status: criteria provided, single submitter. Criteria: Invitae Variant Classification Sherloc (09022015). Collection method: clinical testing. Allele origin: germline. Not counted in ClinVar's aggregate classification.

Blueprint Genetics
Classification: Likely benign. Last evaluated: 2023-04-20. Review status: criteria provided, single submitter. Criteria: ACMG Guidelines, 2015. Collection method: clinical testing. Allele origin: germline. Not counted in ClinVar's aggregate classification.

Eurofins Ntd Llc (ga)
Classification: Uncertain significance. Last evaluated: 2015-08-21. Review status: criteria provided, single submitter. Criteria: EGL Classification Definitions 2015. Collection method: clinical testing. Allele origin: germline. Observed: 1 variant allele, 1 heterozygote. Not counted in ClinVar's aggregate classification.

NM_001379110.1(SLC9A6):c.2001G>A (p.Pro667=)

Gene: SLC9A6 (solute carrier family 9 member A6; plus strand). Cytogenetic location: Xq26.3.
Variant type: single nucleotide variant.
Coding change: c.2001G>A on transcript NM_001379110.1 (MANE Select); coding-DNA position 2001, G replaced by A.
Protein change: p.Pro667=; no amino-acid change (proline 667 retained).
Molecular consequence: synonymous variant.
Genome position (GRCh38, 1-based): chrX:136,044,685, G>A. VCF-style: chrX-136044685-G-A. GRCh37 (hg19) VCF-style: chrX-135126844-G-A.
Other names: NM_001379110.1(SLC9A6):c.2001G>A; p.Pro667=; c.2067G>A, p.Pro689= (NM_001042537.2); c.1911G>A, p.Pro637= (NM_001177651.2); c.1815G>A, p.Pro605= (NM_001330652.2); c.1971G>A, p.Pro657= (NM_006359.3).
Identifiers: ClinVar variation 282218 (VCV000282218.15), dbSNP rs782708610, ClinGen allele CA10524885.